The following is an entry in ClinVar:

NC_000016.10:g.75556270A>C

Gene: TMEM231 (transmembrane protein 231; minus strand). Cytogenetic location: 16q23.1.
Variant type: single nucleotide variant.
Molecular consequence: missense variant, initiator codon variant (on NM_001077416.2).
Genome position: GRCh38 VCF-style: chr16-75556270-A-C. GRCh37 (hg19) VCF-style: chr16-75590168-A-C.
Other names: c.2T>G, p.Met1Arg (NM_001077416.2); short protein forms M1R.
Identifiers: ClinVar variation 2084428 (VCV002084428.5), dbSNP rs2080811140, ClinGen allele CA2233425269.

ClinVar aggregate classification (germline): Uncertain significance (1 of 4 stars; one submission).

Conditions:
Meckel syndrome, type 11 (MKS11). Identifiers: Orphanet 564, MedGen C3809352, MONDO:0014164, OMIM 615397.
Joubert syndrome 20 (JBTS20). Identifiers: Orphanet 475, MedGen C3554235, MONDO:0013994, OMIM 614970.

gnomAD v4.1: 1 of 1,390,158 alleles (0.000072%); highest among the groups gnomAD compares: East Asian, 0.0029%; no homozygotes.

Submission:

Labcorp Genetics (formerly Invitae), Labcorp
Classification: Uncertain significance for Joubert syndrome 20; Meckel syndrome, type 11. Last evaluated: 2022-09-01. Review status: criteria provided, single submitter. Criteria: Invitae Variant Classification Sherloc (09022015). Collection method: clinical testing. Allele origin: germline.
Comment: In summary, the available evidence is currently insufficient to determine the role of this variant in disease. Therefore, it has been classified as a Variant of Uncertain Significance. Experimental studies and prediction algorithms are not available or were not evaluated, and the functional significance of this variant is currently unknown. This variant has not been reported in the literature in individuals affected with TMEM231-related conditions. This variant is not present in population databases (gnomAD no frequency). This sequence change affects the initiator methionine of the TMEM231 mRNA. The next in-frame methionine is located at codon 25.